The following is an entry in ClinVar:

NM_005360.5(MAF):c.941A>C (p.His314Pro)

Gene: MAF (MAF bZIP transcription factor; minus strand). Cytogenetic location: 16q23.2.
Variant type: single nucleotide variant.
Coding change: c.941A>C on transcript NM_005360.5 (MANE Select); coding-DNA position 941, A replaced by C.
Protein change: p.His314Pro; replaces histidine 314 with proline.
Molecular consequence: missense variant.
Genome position (GRCh38, 1-based): chr16:79,598,962, T>G on the plus strand (A>C on the coding strand, the complement: MAF is on the minus strand). VCF-style: chr16-79598962-T-G. GRCh37 (hg19) VCF-style: chr16-79632859-T-G.
Other names: c.941A>C, p.His314Pro (NM_001031804.3); short protein forms H314P.
Identifiers: ClinVar variation 932083 (VCV000932083.4), dbSNP rs1913779276, ClinGen allele CA396534898.

ClinVar aggregate classification (germline): Likely pathogenic (1 of 4 stars; one submission).

Conditions:
Cataract 21 multiple types. Also called: CATARACT 21, MULTIPLE TYPES, WITH MICROCORNEA; Cataract, congenital, cerulean type, 4; CATARACT 21, MULTIPLE TYPES, WITH OR WITHOUT MICROCORNEA; CATARACT 21, CERULEAN, WITH OR WITHOUT MICROCORNEA. Identifiers: Orphanet 91492, MedGen C1857768, MONDO:0012437, OMIM 610202.

Submission:

Centre for Mendelian Genomics, University Medical Centre Ljubljana
Classification: Likely pathogenic for Cataract 21 multiple types. Last evaluated: 2019-06-11. Review status: criteria provided, single submitter. Criteria: ACMG Guidelines, 2015. Collection method: clinical testing. Allele origin: unknown. Affected: yes.
Comment: This variant was classified as: Likely pathogenic. The following ACMG criteria were applied in classifying this variant: PM2,PM6,PP2,PP3.